The following is an entry in ClinVar:

NM_001292034.3(TAB2):c.1417C>T (p.Pro473Ser)

Genes: TAB2 (TGF-beta activated kinase 1 (MAP3K7) binding protein 2; plus strand), LOC126859827 (BRD4-independent group 4 enhancer GRCh37_chr6:149699707-149700906; plus strand). Cytogenetic location: 6q25.1.
Variant type: single nucleotide variant.
Coding change: c.1417C>T on transcript NM_001292034.3 (MANE Select); coding-DNA position 1417, C replaced by T.
Protein change: p.Pro473Ser; replaces proline 473 with serine.
Molecular consequence: missense variant.
Genome position (GRCh38, 1-based): chr6:149,379,332, C>T. VCF-style: chr6-149379332-C-T. GRCh37 (hg19) VCF-style: chr6-149700468-C-T.
Other names: c.1321C>T, p.Pro441Ser (NM_001292035.3); c.1417C>T, p.Pro473Ser (NM_001369506.1, NM_015093.6); short protein forms P441S, P473S.
Identifiers: ClinVar variation 3371447 (VCV003371447.3).

ClinVar aggregate classification (germline): Uncertain significance. Review status: criteria provided, multiple submitters, no conflicts (2 of 4 stars). 2 submissions from 2 submitters: Uncertain significance (2). Last evaluated 2025-01-22.

Submissions (2):

Labcorp Genetics (formerly Invitae), Labcorp
Classification: Uncertain significance. Last evaluated: 2025-01-22. Review status: criteria provided, single submitter. Criteria: Invitae Variant Classification Sherloc (09022015). Collection method: clinical testing. Allele origin: germline.
Comment: This sequence change replaces proline, which is neutral and non-polar, with serine, which is neutral and polar, at codon 473 of the TAB2 protein (p.Pro473Ser). This variant is not present in population databases (gnomAD no frequency). This variant has not been reported in the literature in individuals affected with TAB2-related conditions. Invitae Evidence Modeling of protein sequence and biophysical properties (such as structural, functional, and spatial information, amino acid conservation, physicochemical variation, residue mobility, and thermodynamic stability) indicates that this missense variant is not expected to disrupt TAB2 protein function with a negative predictive value of 80%. In summary, the available evidence is currently insufficient to determine the role of this variant in disease. Therefore, it has been classified as a Variant of Uncertain Significance.

GeneDx
Classification: Uncertain significance. Last evaluated: 2024-03-27. Review status: criteria provided, single submitter. Criteria: GeneDx Variant Classification Process June 2021. Collection method: clinical testing. Allele origin: germline. Affected: yes.
Comment: Has not been previously published as pathogenic or benign to our knowledge; Not observed at significant frequency in large population cohorts (gnomAD); In silico analysis supports that this missense variant does not alter protein structure/function